The following is an entry in ClinVar:

NM_000051.4(ATM):c.6173C>T (p.Ser2058Leu)

Genes: ATM (ATM serine/threonine kinase; plus strand), C11orf65 (chromosome 11 open reading frame 65; minus strand). Cytogenetic location: 11q22.3.
Variant type: single nucleotide variant.
Coding change: c.6173C>T on transcript NM_000051.4 (MANE Select); coding-DNA position 6173, C replaced by T.
Protein change: p.Ser2058Leu; replaces serine 2058 with leucine.
Molecular consequence: missense variant. On other transcripts: intron variant (2).
Genome position (GRCh38, 1-based): chr11:108,316,088, C>T. VCF-style: chr11-108316088-C-T. GRCh37 (hg19) VCF-style: chr11-108186815-C-T.
Other names: c.6173C>T, p.Ser2058Leu (NM_001351834.2); c.641-7017G>A (NM_001330368.2); c.*39-7017G>A (NM_001351110.2); short protein forms S2058L.
Identifiers: ClinVar variation 478960 (VCV000478960.7), dbSNP rs1555113821, ClinGen allele CA382550694.

ClinVar aggregate classification (germline): Uncertain significance (1 of 4 stars; one submission).

Conditions:
Hereditary cancer-predisposing syndrome. Also called: Neoplastic Syndromes, Hereditary; Hereditary Cancer Syndrome; Tumor predisposition; Hereditary neoplastic syndrome. Identifiers: Orphanet 140162, MedGen C0027672, MeSH D009386, MONDO:0015356.

Submission:

Ambry Genetics
Classification: Uncertain significance for Hereditary cancer-predisposing syndrome. Last evaluated: 2016-03-22. Review status: criteria provided, single submitter. Criteria: Ambry Variant Classification Scheme 2023. Collection method: clinical testing. Allele origin: germline.
Comment: The p.S2058L variant (also known as c.6173C>T), located in coding exon 41 of the ATM gene, results from a C to T substitution at nucleotide position 6173. The serine at codon 2058 is replaced by leucine, an amino acid with dissimilar properties. This variant was not reported in population based cohorts in the following databases: Database of Single Nucleotide Polymorphisms (dbSNP), NHLBI Exome Sequencing Project (ESP), and 1000 Genomes Project. In the ESP, this variant was not observed in 6499 samples (12998 alleles) with coverage at this position. To date, this alteration has been detected with an allele frequency of approximately 0.001% (greater than 125000 alleles tested) in our clinical cohort. This amino acid position is poorly conserved in available vertebrate species. In addition, this alteration is predicted to be tolerated by in silico analysis. Since supporting evidence is limited at this time, the clinical significance of this alteration remains unclear.